The following is an entry in ClinVar:

ClinVar aggregate classification (germline): Uncertain significance (1 of 4 stars; one submission).

Conditions:
Ehlers-Danlos syndrome, classic type, 1 (EDSCL1). Also called: EHLERS-DANLOS SYNDROME, GRAVIS TYPE; EHLERS-DANLOS SYNDROME, SEVERE CLASSIC TYPE; Ehlers-Danlos syndrome, type 1; Ehlers-Danlos Syndrome, Classic Type, COL5A1-Related; EDS I. Identifiers: MedGen C0268335, MONDO:0019567, OMIM 130000.

Submission:

Labcorp Genetics (formerly Invitae), Labcorp
Classification: Uncertain significance for Ehlers-Danlos syndrome, classic type, 1. Last evaluated: 2025-02-05. Review status: criteria provided, single submitter. Criteria: Invitae Variant Classification Sherloc (09022015). Collection method: clinical testing. Allele origin: germline.
Comment: This sequence change replaces proline, which is neutral and non-polar, with arginine, which is basic and polar, at codon 944 of the COL5A1 protein (p.Pro944Arg). This variant is not present in population databases (gnomAD no frequency). This variant has not been reported in the literature in individuals affected with COL5A1-related conditions. Invitae Evidence Modeling of protein sequence and biophysical properties (such as structural, functional, and spatial information, amino acid conservation, physicochemical variation, residue mobility, and thermodynamic stability) indicates that this missense variant is not expected to disrupt COL5A1 protein function with a negative predictive value of 95%. In summary, the available evidence is currently insufficient to determine the role of this variant in disease. Therefore, it has been classified as a Variant of Uncertain Significance.

NM_000093.5(COL5A1):c.2831C>G (p.Pro944Arg)

Gene: COL5A1 (collagen type V alpha 1 chain; plus strand). Cytogenetic location: 9q34.3.
Variant type: single nucleotide variant.
Coding change: c.2831C>G on transcript NM_000093.5 (MANE Select); coding-DNA position 2831, C replaced by G.
Protein change: p.Pro944Arg; replaces proline 944 with arginine.
Molecular consequence: missense variant.
Genome position (GRCh38, 1-based): chr9:134,796,405, C>G. VCF-style: chr9-134796405-C-G. GRCh37 (hg19) VCF-style: chr9-137688251-C-G.
Other names: c.2831C>G, p.Pro944Arg (NM_001278074.1); short protein forms P944R.
Identifiers: ClinVar variation 3658737 (VCV003658737.2).
Genomic context (GRCh38, chr9:134,796,405, plus strand): 5'-GCTTTTCCCCCCTCTCCTTCCCTCTCAAGGGCAACTCCGGAGGTGACGGCCCAGCTGGCC[C>G]TCCTGGTGAACGGGTAAGCAGCTGGAGCCTTCGGGGGTGTCTCCAAGGGCAGAGCCTGCC-3'
Protein context (NP_000084.3, residues 934-954): GNSGGDGPAG[Pro944Arg]PGERGPNGPQ